The following is an entry in ClinVar:

ClinVar aggregate classification (germline): Uncertain significance (1 of 4 stars; one submission).

Submission:

Labcorp Genetics (formerly Invitae), Labcorp
Classification: Uncertain significance. Last evaluated: 2023-06-16. Review status: criteria provided, single submitter. Criteria: Invitae Variant Classification Sherloc (09022015). Collection method: clinical testing. Allele origin: germline.
Comment: This sequence change replaces alanine, which is neutral and non-polar, with valine, which is neutral and non-polar, at codon 72 of the RPSA protein (p.Ala72Val). This variant is present in population databases (no rsID available, gnomAD 0.007%). This variant has not been reported in the literature in individuals affected with RPSA-related conditions. Advanced modeling of protein sequence and biophysical properties (such as structural, functional, and spatial information, amino acid conservation, physicochemical variation, residue mobility, and thermodynamic stability) performed at Invitae indicates that this missense variant is not expected to disrupt RPSA protein function. In summary, the available evidence is currently insufficient to determine the role of this variant in disease. Therefore, it has been classified as a Variant of Uncertain Significance.

NM_002295.6(RPSA):c.215C>T (p.Ala72Val)

Gene: RPSA (ribosomal protein SA; plus strand). Cytogenetic location: 3p22.1.
Variant type: single nucleotide variant.
Coding change: c.215C>T on transcript NM_002295.6 (MANE Select); coding-DNA position 215, C replaced by T.
Protein change: p.Ala72Val; replaces alanine 72 with valine.
Molecular consequence: missense variant.
Genome position (GRCh38, 1-based): chr3:39,408,687, C>T. VCF-style: chr3-39408687-C-T. GRCh37 (hg19) VCF-style: chr3-39450178-C-T.
Other names: c.215C>T, p.Ala72Val (NM_001012321.1, NM_001304288.2); short protein forms A72V.
Identifiers: ClinVar variation 2839036 (VCV002839036.3), dbSNP rs1386373873, ClinGen allele CA352211604.